The following is an entry in ClinVar:

NM_001365276.2(TNXB):c.833G>A (p.Arg278Lys)

Gene: TNXB (tenascin XB; minus strand). Cytogenetic location: 6p21.33.
Variant type: single nucleotide variant.
Coding change: c.833G>A on transcript NM_001365276.2 (MANE Select); coding-DNA position 833, G replaced by A.
Protein change: p.Arg278Lys; replaces arginine 278 with lysine.
Molecular consequence: missense variant.
Genome position (GRCh38, 1-based): chr6:32,097,020, C>T on the plus strand (G>A on the coding strand, the complement: TNXB is on the minus strand). VCF-style: chr6-32097020-C-T. GRCh37 (hg19) VCF-style: chr6-32064797-C-T.
Other names: c.833G>A, p.Arg278Lys (NM_019105.8); short protein forms R278K.
Identifiers: ClinVar variation 1308327 (VCV001308327.2), dbSNP rs2127292646, ClinGen allele CA363485133.

ClinVar aggregate classification (germline): Uncertain significance (1 of 4 stars; one submission).

Submission:

GeneDx
Classification: Uncertain significance. Last evaluated: 2019-04-05. Review status: criteria provided, single submitter. Criteria: GeneDx Variant Classification Process June 2021. Collection method: clinical testing. Allele origin: germline. Affected: yes.
Comment: Not observed in large population cohorts (Lek et al., 2016); In silico analysis, which includes protein predictors and evolutionary conservation, supports that this variant does not alter protein structure/function; Has not been previously published as pathogenic or benign to our knowledge